The following is an entry in ClinVar:

NM_177438.3(DICER1):c.4820G>T (p.Arg1607Leu)

Gene: DICER1 (dicer 1, ribonuclease III; minus strand). Cytogenetic location: 14q32.13.
Variant type: single nucleotide variant.
Coding change: c.4820G>T on transcript NM_177438.3 (MANE Select); coding-DNA position 4820, G replaced by T.
Protein change: p.Arg1607Leu; replaces arginine 1607 with leucine.
Molecular consequence: missense variant. On other transcripts: non-coding transcript variant (6).
Genome position (GRCh38, 1-based): chr14:95,096,100, C>A on the plus strand (G>T on the coding strand, the complement: DICER1 is on the minus strand). VCF-style: chr14-95096100-C-A. GRCh37 (hg19) VCF-style: chr14-95562437-C-A.
Other names: c.4820G>T, p.Arg1607Leu (NM_001195573.1, NM_001271282.3, NM_001291628.2 and 13 more transcripts); c.4538G>T, p.Arg1513Leu (NM_001395686.1); c.4415G>T, p.Arg1472Leu (NM_001395687.1, NM_001395688.1, NM_001395689.1 and 2 more transcripts); c.4253G>T, p.Arg1418Leu (NM_001395691.1); c.3137G>T, p.Arg1046Leu (NM_001395697.1); short protein forms R1418L, R1607L, R1472L, R1513L, R1046L.
Identifiers: ClinVar variation 2079065 (VCV002079065.4), dbSNP rs368963384, ClinGen allele CA390866967.

ClinVar aggregate classification (germline): Uncertain significance (1 of 4 stars; one submission).

Conditions:
DICER1-related tumor predisposition. Also called: DICER1-related pleuropulmonary blastoma cancer predisposition syndrome; DICER1 syndrome. Identifiers: Orphanet 284343, MedGen C3839822, MONDO:0100216.

gnomAD v4.1: 2 of 1,614,144 alleles (0.00012%); highest among the groups gnomAD compares: Admixed American, 0.0017%; no homozygotes.

Submission:

Labcorp Genetics (formerly Invitae), Labcorp
Classification: Uncertain significance for DICER1-related tumor predisposition. Last evaluated: 2023-04-22. Review status: criteria provided, single submitter. Criteria: Invitae Variant Classification Sherloc (09022015). Collection method: clinical testing. Allele origin: germline.
Comment: ClinVar contains an entry for this variant (Variation ID: 2079065). This variant has not been reported in the literature in individuals affected with DICER1-related conditions. This variant is not present in population databases (gnomAD no frequency). This sequence change replaces arginine, which is basic and polar, with leucine, which is neutral and non-polar, at codon 1607 of the DICER1 protein (p.Arg1607Leu). In summary, the available evidence is currently insufficient to determine the role of this variant in disease. Therefore, it has been classified as a Variant of Uncertain Significance. An algorithm developed to predict the effect of missense changes on protein structure and function (PolyPhen-2) suggests that this variant is likely to be tolerated.